The following is an entry in ClinVar:

NM_000531.6(OTC):c.689C>A (p.Thr230Asn)

Gene: OTC (ornithine transcarbamylase; plus strand). Cytogenetic location: Xp11.4.
Variant type: single nucleotide variant.
Coding change: c.689C>A on transcript NM_000531.6 (MANE Select); coding-DNA position 689, C replaced by A.
Protein change: p.Thr230Asn; replaces threonine 230 with asparagine.
Molecular consequence: missense variant.
Genome position (GRCh38, 1-based): chrX:38,408,767, C>A. VCF-style: chrX-38408767-C-A. GRCh37 (hg19) VCF-style: chrX-38268020-C-A.
Other names: c.689C>A, p.Thr230Asn (NM_001407092.1); short protein forms T230N.
Identifiers: ClinVar variation 2040496 (VCV002040496.4), dbSNP rs1336562810, ClinGen allele CA412721394.

ClinVar aggregate classification (germline): Uncertain significance (1 of 4 stars; one submission).

Conditions:
Ornithine carbamoyltransferase deficiency (OTCD). Also called: OTC DEFICIENCY; ORNITHINE TRANSCARBAMYLASE DEFICIENCY; ORNITHINE TRANSCARBAMYLASE DEFICIENCY, HYPERAMMONEMIA DUE TO; Ornithine Carbamoyltransferase Deficiency Disease. Identifiers: Orphanet 664, MedGen C0268542, MONDO:0010703, OMIM 311250.

Submission:

Labcorp Genetics (formerly Invitae), Labcorp
Classification: Uncertain significance for Ornithine carbamoyltransferase deficiency. Last evaluated: 2022-04-17. Review status: criteria provided, single submitter. Criteria: Invitae Variant Classification Sherloc (09022015). Collection method: clinical testing. Allele origin: germline.
Comment: In summary, the available evidence is currently insufficient to determine the role of this variant in disease. Therefore, it has been classified as a Variant of Uncertain Significance. Advanced modeling of protein sequence and biophysical properties (such as structural, functional, and spatial information, amino acid conservation, physicochemical variation, residue mobility, and thermodynamic stability) performed at Invitae indicates that this missense variant is expected to disrupt OTC protein function. This variant has not been reported in the literature in individuals affected with OTC-related conditions. This variant is not present in population databases (gnomAD no frequency). This sequence change replaces threonine, which is neutral and polar, with asparagine, which is neutral and polar, at codon 230 of the OTC protein (p.Thr230Asn).